The following is an entry in ClinVar:

ClinVar aggregate classification (germline): Pathogenic/Likely pathogenic. Review status: criteria provided, multiple submitters, no conflicts (2 of 4 stars). 7 submissions from 7 submitters: Pathogenic (3); Likely pathogenic (3). 1 of the submissions does not count toward it. Last evaluated 2025-09-05.

Conditions:
Pierpont syndrome (PRPTS). Identifiers: Orphanet 487825, MedGen C1865644, MONDO:0011213, OMIM 602342.
Inborn genetic diseases. Identifiers: MedGen C0950123, MeSH D030342.
Intellectual disability. Also called: intellectual disabilities; Intellectual functioning disability; Intellectual developmental disorder. Identifiers: MedGen C3714756, MeSH D008607, MONDO:0001071, HP:0001249.
Intellectual developmental disorder, autosomal dominant 41. Also called: Intellectual disability, autosomal dominant 41. Identifiers: Orphanet 2823, MedGen C4310784, MONDO:0014842, OMIM 616944.

Submissions (7):

Labcorp Genetics (formerly Invitae), Labcorp
Classification: Pathogenic for Pierpont syndrome. Last evaluated: 2025-09-05. Review status: criteria provided, single submitter. Criteria: Invitae Variant Classification Sherloc (09022015). Collection method: clinical testing. Allele origin: germline.
Comment: This sequence change replaces aspartic acid, which is acidic and polar, with asparagine, which is neutral and polar, at codon 370 of the TBL1XR1 protein (p.Asp370Asn). This variant is not present in population databases (gnomAD no frequency). This missense change has been observed in individual(s) with clinical features of TBL1XR1-related conditions (PMID: 29777588). In at least one individual the variant was observed to be de novo. ClinVar contains an entry for this variant (Variation ID: 372701). Invitae Evidence Modeling of protein sequence and biophysical properties (such as structural, functional, and spatial information, amino acid conservation, physicochemical variation, residue mobility, and thermodynamic stability) indicates that this missense variant is expected to disrupt TBL1XR1 protein function with a positive predictive value of 95%. For these reasons, this variant has been classified as Pathogenic.

GeneDx
Classification: Pathogenic. Last evaluated: 2024-10-30. Review status: criteria provided, single submitter. Criteria: GeneDx Variant Classification Process June 2021. Collection method: clinical testing. Allele origin: germline. Affected: yes.
Comment: Not observed at significant frequency in large population cohorts (gnomAD); In silico analysis supports that this missense variant has a deleterious effect on protein structure/function; This variant is associated with the following publications: (PMID: 35982159, 33057194, 36403551, 34490615, 29777588)

Greenwood Genetic Center Diagnostic Laboratories, Greenwood Genetic Center
Classification: Pathogenic for Intellectual developmental disorder, autosomal dominant 41. Last evaluated: 2023-02-23. Review status: criteria provided, single submitter. Criteria: ACMG Guidelines, 2015. Collection method: clinical testing. Allele origin: germline. Affected: yes.
Comment: PS4_Moderate, PM2, PM5_Supporting, PM6_Strong, PP2, PP3

CeGaT Center for Human Genetics Tuebingen
Classification: Likely pathogenic. Last evaluated: 2022-09-01. Review status: criteria provided, single submitter. Criteria: CeGaT Center For Human Genetics Tuebingen Variant Classification Criteria Version 2. Collection method: clinical testing. Allele origin: germline. Affected: yes. Observed: 1 variant allele.
Comment: TBL1XR1: PM2, PM5, PP2, PP3, PS4:Supporting

Diagnostic Laboratory, Strasbourg University Hospital
Classification: Likely pathogenic for Intellectual disability. Last evaluated: 2020-09-10. Review status: criteria provided, single submitter. Criteria: ACMG Guidelines, 2015. Collection method: clinical testing. Allele origin: de novo. Affected: yes. Observed: 1 heterozygote.

Ambry Genetics
Classification: Likely pathogenic for Inborn genetic diseases. Last evaluated: 2019-09-16. Review status: criteria provided, single submitter. Criteria: Ambry exome assertion method (8-5-2015). Collection method: clinical testing. Allele origin: germline. Affected: yes. Observed: 1 variant allele.

School of Pediatrics, Henan University of Chinese Medicine
Classification: Pathogenic for Pierpont syndrome. Review status: no assertion criteria provided. Collection method: clinical testing. Allele origin: de novo. Inheritance: Autosomal dominant inheritance. Affected: yes. Not counted in ClinVar's aggregate classification.

Literature cited by the submitters: PubMed 29777588 (cited by Labcorp Genetics (formerly Invitae), Labcorp and Ambry Genetics); PubMed 26740553 (cited by Ambry Genetics).

NM_024665.7(TBL1XR1):c.1108G>A (p.Asp370Asn)

Genes: TBL1XR1 (TBL1X/Y related 1; minus strand), TBL1XR1-AS1 (TBL1XR1 antisense RNA 1; plus strand), LOC126806878 (CDK7 strongly-dependent group 2 enhancer GRCh37_chr3:176755168-176756367; plus strand). Cytogenetic location: 3q26.32.
Variant type: single nucleotide variant.
Coding change: c.1108G>A on transcript NM_024665.7 (MANE Select); coding-DNA position 1108, G replaced by A.
Protein change: p.Asp370Asn; replaces aspartic acid 370 with asparagine.
Molecular consequence: missense variant.
Genome position (GRCh38, 1-based): chr3:177,038,112, C>T on the plus strand (G>A on the coding strand, the complement: TBL1XR1 is on the minus strand). VCF-style: chr3-177038112-C-T. GRCh37 (hg19) VCF-style: chr3-176755900-C-T.
Other names: c.847G>A, p.Asp283Asn (NM_001321195.3, NM_001374330.1); c.1108G>A, p.Asp370Asn (NM_001374327.1, NM_001374328.1, NM_001374329.1 and 2 more transcripts); c.1108G>A (NM_024665.6); short protein forms D370N, D283N.
Identifiers: ClinVar variation 372701 (VCV000372701.40), dbSNP rs1057517933, ClinGen allele CA16042430.
Genomic context (GRCh38, chr3:177,038,112, plus strand): 5'-TACTGTGTGACACCGCCAACCCATTTCTCCCTACTAAGCAAATTACCTTTAAAGTCATGT[C>T]GTCAGAACAGGAGGCCAAGAGATTGCCAGTTGGGTCCCATTTGATAGCATTTACTTCATT-3'
Protein context (NP_078941.2, residues 360-380): TGNLLASCSD[Asp370Asn]MTLKIWSMKQ